The following is an entry in ClinVar:

ClinVar aggregate classification (germline): Likely benign. Review status: criteria provided, multiple submitters, no conflicts (2 of 4 stars). 3 submissions from 3 submitters: Likely benign (3). Last evaluated 2023-02-14.

Conditions:
Inborn genetic diseases. Identifiers: MedGen C0950123, MeSH D030342.
Charcot-Marie-Tooth disease type 4. Also called: Charcot-Marie-Tooth disease, type IV; Charcot-Marie-Tooth, Type 4. Identifiers: Orphanet 64749, MedGen C4082197, MONDO:0018995.

Allele frequency attached by ClinVar (database versions not stated): gnomAD exomes below 0.00001; TOPMed 0.00002.
gnomAD v4.1: 2 of 1,613,870 alleles (0.00012%); highest among the groups gnomAD compares: Admixed American, 0.0017%; no homozygotes.

Submissions (3):

Labcorp Genetics (formerly Invitae), Labcorp
Classification: Likely benign for Charcot-Marie-Tooth disease type 4. Last evaluated: 2023-02-14. Review status: criteria provided, single submitter. Criteria: Invitae Variant Classification Sherloc (09022015). Collection method: clinical testing. Allele origin: germline.

Ambry Genetics
Classification: Likely benign for Inborn genetic diseases. Last evaluated: 2019-07-11. Review status: criteria provided, single submitter. Criteria: Ambry Variant Classification Scheme 2023. Collection method: clinical testing. Allele origin: germline.

GeneDx
Classification: Likely benign. Last evaluated: 2016-09-01. Review status: criteria provided, single submitter. Criteria: GeneDx Variant Classification (06012015). Collection method: clinical testing. Allele origin: germline. Affected: yes.
Comment: This variant is considered likely benign or benign based on one or more of the following criteria: it is a conservative change, it occurs at a poorly conserved position in the protein, it is predicted to be benign by multiple in silico algorithms, and/or has population frequency not consistent with disease.

NM_030962.4(SBF2):c.2907A>G (p.Gly969=)

Genes: SBF2 (SET binding factor 2; minus strand), LOC101928008 (uncharacterized LOC101928008; plus strand). Cytogenetic location: 11p15.4.
Variant type: single nucleotide variant.
Coding change: c.2907A>G on transcript NM_030962.4 (MANE Select); coding-DNA position 2907, A replaced by G.
Protein change: p.Gly969=; no amino-acid change (glycine 969 retained).
Molecular consequence: synonymous variant.
Genome position (GRCh38, 1-based): chr11:9,846,983, T>C on the plus strand (A>G on the coding strand, the complement: SBF2 is on the minus strand). VCF-style: chr11-9846983-T-C. GRCh37 (hg19) VCF-style: chr11-9868530-T-C.
Other names: c.2907A>G, p.Gly969= (NM_001386339.1); c.2778A>G, p.Gly926= (NM_001386342.1).
Identifiers: ClinVar variation 389001 (VCV000389001.6), dbSNP rs1057523299, ClinGen allele CA16606050.